The following is an entry in ClinVar:

ClinVar aggregate classification (germline): Pathogenic (1 of 4 stars; one submission).

Conditions:
Short-rib thoracic dysplasia 14 with polydactyly (SRTD14). Identifiers: Orphanet 397715, MedGen C4225286, MONDO:0014688, OMIM 616546.
Joubert syndrome 23 (JBTS23). Identifiers: Orphanet 475, MedGen C4084822, MONDO:0014664, OMIM 616490.

Submission:

Labcorp Genetics (formerly Invitae), Labcorp
Classification: Pathogenic for Joubert syndrome 23; Short-rib thoracic dysplasia 14 with polydactyly. Last evaluated: 2024-06-20. Review status: criteria provided, single submitter. Criteria: Invitae Variant Classification Sherloc (09022015). Collection method: clinical testing. Allele origin: germline.
Comment: This sequence change creates a premature translational stop signal (p.Lys1504*) in the KIAA0586 gene. It is expected to result in an absent or disrupted protein product. Loss-of-function variants in KIAA0586 are known to be pathogenic (PMID: 26096313, 26166481, 26386044). This variant is not present in population databases (gnomAD no frequency). This variant has not been reported in the literature in individuals affected with KIAA0586-related conditions. ClinVar contains an entry for this variant (Variation ID: 2034084). For these reasons, this variant has been classified as Pathogenic.

Literature cited by the submitters: PubMed 26096313; PubMed 26166481; PubMed 26386044.

NM_001329943.3(KIAA0586):c.4350dup (p.Lys1451Ter)

Gene: KIAA0586 (KIAA0586; plus strand). Cytogenetic location: 14q23.1.
Variant type: Duplication.
Coding change: c.4350dup on transcript NM_001329943.3 (MANE Select); coding-DNA position 4350, one base duplicated (T; older notation c.4350dupT).
Protein change: p.Lys1451Ter; replaces lysine 1451 with a stop codon.
Molecular consequence: nonsense.
Genome position (GRCh38, 1-based): chr14:58,512,548, T duplicated; the last of 2 consecutive T bases (chr14:58,512,547-58,512,548); duplicating either gives the same sequence. VCF-style (leftmost placement, unchanged base first): chr14-58512546-G-GT. GRCh37 (hg19) VCF-style: chr14-58979264-G-GT.
Other names: c.4509dup, p.Lys1504Ter (NM_001244189.2); c.4305dup, p.Lys1436Ter (NM_001244190.2); c.4095dup, p.Lys1366Ter (NM_001244191.2, NM_001329945.2, NM_001364700.1 and 1 more transcripts); c.4218dup, p.Lys1407Ter (NM_001244192.2, NM_001329947.2); c.3930dup, p.Lys1311Ter (NM_001244193.2); c.4350dup, p.Lys1451Ter (NM_001329944.2, NM_001329946.2); c.4122dup, p.Lys1375Ter (NM_014749.5); short protein forms K1504*, K1311*, K1366*, K1375*, K1407*, K1451*, K1436*.
Identifiers: ClinVar variation 2034084 (VCV002034084.4), dbSNP rs2544164533, ClinGen allele CA2580088277.